The following is an entry in ClinVar:

NM_001369369.1(FOXN1):c.123+11G>A

Gene: FOXN1 (forkhead box N1; plus strand). Cytogenetic location: 17q11.2.
Variant type: single nucleotide variant.
Coding change: c.123+11G>A on transcript NM_001369369.1 (MANE Select); 11 bases into the intron after coding-DNA position 123, G replaced by A.
Molecular consequence: intron variant.
Genome position (GRCh38, 1-based): chr17:28,524,103, G>A. VCF-style: chr17-28524103-G-A. GRCh37 (hg19) VCF-style: chr17-26851121-G-A.
Other names: c.123+11G>A (NM_003593.3).
Identifiers: ClinVar variation 385949 (VCV000385949.14), dbSNP rs79946739, ClinGen allele CA8459144.

ClinVar aggregate classification (germline): Benign/Likely benign. Review status: criteria provided, multiple submitters, no conflicts (2 of 4 stars). 5 submissions from 5 submitters: Benign (2); Likely benign (3). Last evaluated 2026-01-31.

Conditions:
T-cell immunodeficiency, congenital alopecia, and nail dystrophy. Also called: Congenital alopecia and nail dystrophy associated with severe functional T-cell immunodeficiency; Pignata Guarino syndrome. Identifiers: Orphanet 169095, MedGen C1866426, MONDO:0011132, OMIM 601705.

Allele frequency attached by ClinVar (database versions not stated): ExAC 0.00135; ESP Exome Variant Server 0.00234; 1000 Genomes Project 0.00300; gnomAD 0.00323 and 0.00344; 1000 Genomes Project 30x 0.00375; TOPMed 0.00376.
gnomAD v4.1: 1,239 of 1,582,644 alleles (0.078%); highest among the groups gnomAD compares: African/African-American, 1.2%; 9 homozygotes.

Submissions (5):

Labcorp Genetics (formerly Invitae), Labcorp
Classification: Benign for T-cell immunodeficiency, congenital alopecia, and nail dystrophy. Last evaluated: 2026-01-31. Review status: criteria provided, single submitter. Criteria: Invitae Variant Classification Sherloc (09022015). Collection method: clinical testing. Allele origin: germline.

Blueprint Genetics
Classification: Likely benign. Last evaluated: 2024-11-11. Review status: criteria provided, single submitter. Criteria: ACMG Guidelines, 2015. Collection method: clinical testing. Allele origin: germline.

Illumina Laboratory Services, Illumina
Classification: Benign for T-cell immunodeficiency, congenital alopecia, and nail dystrophy. Last evaluated: 2018-01-13. Review status: criteria provided, single submitter. Criteria: ICSL Variant Classification Criteria 13 December 2019. Collection method: clinical testing. Allele origin: germline.
Comment: This variant was observed in the ICSL laboratory as part of a predisposition screen in an ostensibly healthy population. It had not been previously curated by ICSL or reported in the Human Gene Mutation Database (HGMD: prior to June 1st, 2018), and was therefore a candidate for classification through an automated scoring system. Utilizing variant allele frequency, disease prevalence and penetrance estimates, and inheritance mode, an automated score was calculated to assess if this variant is too frequent to cause the disease. Based on the score and internal cut-off values, a variant classified as benign is not then subjected to further curation. The score for this variant resulted in a classification of benign for this disease.

GeneDx
Classification: Likely benign. Last evaluated: 2016-05-11. Review status: criteria provided, single submitter. Criteria: GeneDx Variant Classification (06012015). Collection method: clinical testing. Allele origin: germline. Affected: yes.
Comment: This variant is considered likely benign or benign based on one or more of the following criteria: it is a conservative change, it occurs at a poorly conserved position in the protein, it is predicted to be benign by multiple in silico algorithms, and/or has population frequency not consistent with disease.

Breakthrough Genomics
Classification: Likely benign. Review status: criteria provided, single submitter. Criteria: ACMG Guidelines, 2015. Collection method: not provided. Allele origin: germline. Inheritance: Autosomal recessive inheritance. Affected: yes.